The following is an entry in ClinVar:

ClinVar aggregate classification (germline): Uncertain significance (1 of 4 stars; one submission).

Allele frequency attached by ClinVar (database versions not stated): gnomAD exomes below 0.00001; TOPMed below 0.00001; gnomAD 0.00001; 1000 Genomes Project 30x 0.00016; 1000 Genomes Project 0.00020.

Submission:

Ambry Genetics
Classification: Uncertain significance. Last evaluated: 2024-04-24. Review status: criteria provided, single submitter. Criteria: Ambry Variant Classification Scheme 2023. Collection method: clinical testing. Allele origin: germline.
Comment: The p.M138V variant (also known as c.412A>G), located in coding exon 4 of the KIF1B gene, results from an A to G substitution at nucleotide position 412. The methionine at codon 138 is replaced by valine, an amino acid with highly similar properties. This amino acid position is conserved. In addition, this alteration is predicted to be tolerated by in silico analysis. Based on the available evidence, the clinical significance of this variant remains unclear.

NM_001365951.3(KIF1B):c.412A>G (p.Met138Val)

Genes: KIF1B (kinesin family member 1B; plus strand), LOC129388447 (MPRA-validated peak65 silencer; plus strand). Cytogenetic location: 1p36.22.
Variant type: single nucleotide variant.
Coding change: c.412A>G on transcript NM_001365951.3 (MANE Select); coding-DNA position 412, A replaced by G.
Protein change: p.Met138Val; replaces methionine 138 with valine.
Molecular consequence: missense variant.
Genome position (GRCh38, 1-based): chr1:10,261,953, A>G. VCF-style: chr1-10261953-A-G. GRCh37 (hg19) VCF-style: chr1-10322011-A-G.
Other names: c.412A>G, p.Met138Val (NM_001365952.1, NM_001365953.1, NM_015074.3 and 1 more transcripts); short protein forms M138V.
Identifiers: ClinVar variation 3114580 (VCV003114580.2), dbSNP rs192338851, ClinGen allele CA17834102.